The following is an entry in ClinVar:

ClinVar aggregate classification (germline): Uncertain significance (1 of 4 stars; one submission).

gnomAD v4.1: 1 of 1,613,572 alleles (0.000062%); no homozygotes.

Submission:

Labcorp Genetics (formerly Invitae), Labcorp
Classification: Uncertain significance. Last evaluated: 2023-08-23. Review status: criteria provided, single submitter. Criteria: Invitae Variant Classification Sherloc (09022015). Collection method: clinical testing. Allele origin: germline.
Comment: In summary, the available evidence is currently insufficient to determine the role of this variant in disease. Therefore, it has been classified as a Variant of Uncertain Significance. Advanced modeling of protein sequence and biophysical properties (such as structural, functional, and spatial information, amino acid conservation, physicochemical variation, residue mobility, and thermodynamic stability) performed at Invitae indicates that this missense variant is not expected to disrupt JAK2 protein function. This sequence change replaces glutamic acid, which is acidic and polar, with aspartic acid, which is acidic and polar, at codon 987 of the JAK2 protein (p.Glu987Asp). This variant is not present in population databases (gnomAD no frequency). This variant has not been reported in the literature in individuals affected with JAK2-related conditions.

NM_004972.4(JAK2):c.2961G>C (p.Glu987Asp)

Genes: INSL6 (insulin like 6; minus strand), JAK2 (Janus kinase 2; plus strand). Cytogenetic location: 9p24.1.
Variant type: single nucleotide variant.
Coding change: c.2961G>C on transcript NM_004972.4 (MANE Select); coding-DNA position 2961, G replaced by C.
Protein change: p.Glu987Asp; replaces glutamic acid 987 with aspartic acid.
Molecular consequence: missense variant. On other transcripts: non-coding transcript variant (2).
Genome position (GRCh38, 1-based): chr9:5,090,813, G>C. VCF-style: chr9-5090813-G-C. GRCh37 (hg19) VCF-style: chr9-5090813-G-C.
Other names: c.2961G>C, p.Glu987Asp (NM_001322194.2, NM_001322195.2, NM_001322196.2); c.1746G>C, p.Glu582Asp (NM_001322198.2, NM_001322199.2); c.2514G>C, p.Glu838Asp (NM_001322204.2); short protein forms E838D, E987D, E582D.
Identifiers: ClinVar variation 2983135 (VCV002983135.3), dbSNP rs2489126524, ClinGen allele CA372829714.
Genomic context (GRCh38, chr9:5,090,813, plus strand): 5'-TGGTACAAAAAGGTATATCCACAGGGATCTGGCAACGAGAAATATATTGGTGGAGAACGA[G>C]AACAGAGTTAAAATTGGAGATTTTGGGTTAACCAAAGTCTTGCCACAAGACAAAGAATAC-3'
Protein context (NP_004963.1, residues 977-997): LATRNILVEN[Glu987Asp]NRVKIGDFGL